The following is an entry in ClinVar:

ClinVar aggregate classification (germline): Likely benign (1 of 4 stars; one submission).

Allele frequency attached by ClinVar (database versions not stated): gnomAD 0.00011; ESP Exome Variant Server 0.00015.
gnomAD v4.1: 67 of 1,614,088 alleles (0.0042%); highest among the groups gnomAD compares: Admixed American, 0.048%; no homozygotes.

Submission:

CeGaT Center for Human Genetics Tuebingen
Classification: Likely benign. Last evaluated: 2022-11-01. Review status: criteria provided, single submitter. Criteria: CeGaT Center For Human Genetics Tuebingen Variant Classification Criteria Version 2. Collection method: clinical testing. Allele origin: germline. Affected: yes. Observed: 1 variant allele.
Comment: CDAN1: BP4, BP7

NM_138477.4(CDAN1):c.2595C>T (p.Thr865=)

Gene: CDAN1 (codanin 1; minus strand). Cytogenetic location: 15q15.2.
Variant type: single nucleotide variant.
Coding change: c.2595C>T on transcript NM_138477.4 (MANE Select); coding-DNA position 2595, C replaced by T.
Protein change: p.Thr865=; no amino-acid change (threonine 865 retained).
Molecular consequence: synonymous variant.
Genome position (GRCh38, 1-based): chr15:42,729,073, G>A on the plus strand (C>T on the coding strand, the complement: CDAN1 is on the minus strand). VCF-style: chr15-42729073-G-A. GRCh37 (hg19) VCF-style: chr15-43021271-G-A.
Identifiers: ClinVar variation 2645253 (VCV002645253.24), dbSNP rs139104502, ClinGen allele CA7515559.
Genomic context (GRCh38, chr15:42,729,073, plus strand): 5'-CCACTCTTACTTGATATGTTTGACACAGTTTGATCCAATTCTTTCTGCCACGAACTCTAC[G>A]GTCCGGCGCAAGGAGGGCGGCTGGTTGTGGAAAAAGGCCTGGGCGAGCTGTGCCTGGGGG-3'
Protein context (NP_612486.2, residues 855-875): FHNQPPSLRR[Thr865=]VEFVAERIGS